The following is an entry in ClinVar:

ClinVar aggregate classification (germline): Uncertain significance. Review status: criteria provided, multiple submitters, no conflicts (2 of 4 stars). 3 submissions from 3 submitters: Uncertain significance (3). Last evaluated 2023-06-29.

Conditions:
Developmental and epileptic encephalopathy 94 (DEE94). Also called: CHD2-Related Neurodevelopmental Disorders; Epileptic encephalopathy, childhood-onset. Identifiers: Orphanet 1942, Orphanet 2382, MedGen C3809278, MONDO:0014150, OMIM 615369.

Allele frequency attached by ClinVar (database versions not stated): gnomAD exomes below 0.00001.
gnomAD v4.1: 1 of 1,613,858 alleles (0.000062%); highest among the groups gnomAD compares: Non-Finnish European, 0.000085%; no homozygotes.

Submissions (3):

GeneDx
Classification: Uncertain significance. Last evaluated: 2023-06-29. Review status: criteria provided, single submitter. Criteria: GeneDx Variant Classification Process June 2021. Collection method: clinical testing. Allele origin: germline. Affected: yes.
Comment: Not observed at significant frequency in large population cohorts (gnomAD); In silico analysis supports that this missense variant does not alter protein structure/function; Has not been previously published as pathogenic or benign to our knowledge

Labcorp Genetics (formerly Invitae), Labcorp
Classification: Uncertain significance for Developmental and epileptic encephalopathy 94. Last evaluated: 2023-04-07. Review status: criteria provided, single submitter. Criteria: Invitae Variant Classification Sherloc (09022015). Collection method: clinical testing. Allele origin: germline.
Comment: In summary, the available evidence is currently insufficient to determine the role of this variant in disease. Therefore, it has been classified as a Variant of Uncertain Significance. Advanced modeling of protein sequence and biophysical properties (such as structural, functional, and spatial information, amino acid conservation, physicochemical variation, residue mobility, and thermodynamic stability) performed at Invitae indicates that this missense variant is not expected to disrupt CHD2 protein function. ClinVar contains an entry for this variant (Variation ID: 976370). This variant has not been reported in the literature in individuals affected with CHD2-related conditions. This variant is not present in population databases (gnomAD no frequency). This sequence change replaces threonine, which is neutral and polar, with alanine, which is neutral and non-polar, at codon 1011 of the CHD2 protein (p.Thr1011Ala).

Institute of Human Genetics, University of Leipzig Medical Center
Classification: Uncertain significance for Developmental and epileptic encephalopathy 94. Last evaluated: 2018-03-01. Review status: criteria provided, single submitter. Criteria: ACMG Guidelines, 2015. Collection method: clinical testing. Allele origin: germline. Affected: yes. Observed: 1 variant allele.

NM_001271.4(CHD2):c.3031A>G (p.Thr1011Ala)

Genes: CHD2 (chromodomain helicase DNA binding protein 2; plus strand), LOC126862230 (P300/CBP strongly-dependent group 1 enhancer GRCh37_chr15:93523977-93525176; plus strand). Cytogenetic location: 15q26.1.
Variant type: single nucleotide variant.
Coding change: c.3031A>G on transcript NM_001271.4 (MANE Select); coding-DNA position 3031, A replaced by G.
Protein change: p.Thr1011Ala; replaces threonine 1011 with alanine.
Molecular consequence: missense variant.
Genome position (GRCh38, 1-based): chr15:92,981,422, A>G. VCF-style: chr15-92981422-A-G. GRCh37 (hg19) VCF-style: chr15-93524652-A-G.
Other names: short protein forms T1011A.
Identifiers: ClinVar variation 976370 (VCV000976370.10), dbSNP rs2053978897, ClinGen allele CA393894961.
Genomic context (GRCh38, chr15:92,981,422, plus strand): 5'-TAGGAAATGGATATAGATGAAATTTTGCGGTTGGCTGAAACGAGAGAGAATGAAGTGTCA[A>G]CAAGTGCAACAGATGAACTTCTATCACAGTTTAAGGTATGAAGATCTTTGTGGGAGAGAG-3'
Protein context (NP_001262.3, residues 1001-1021): LAETRENEVS[Thr1011Ala]SATDELLSQF